The following is an entry in ClinVar:

ClinVar aggregate classification (germline): Conflicting classifications of pathogenicity. Review status: criteria provided, conflicting classifications (1 of 4 stars). 4 submissions from 4 submitters: Uncertain significance (2); Likely benign (1). 1 of the submissions does not count toward it. Last evaluated 2024-11-23.

Conditions:
SPAG1-related disorder. Also called: SPAG1-related condition.
Primary ciliary dyskinesia 28. Also called: CILIARY DYSKINESIA, PRIMARY, 28, WITH OR WITHOUT SITUS INVERSUS. Identifiers: Orphanet 244, MedGen C3809706, MONDO:0014216, OMIM 615505.
Primary ciliary dyskinesia. Also called: Ciliary dyskinesia. Identifiers: Orphanet 244, MedGen C0008780, MONDO:0016575, HP:0012265.

Allele frequency attached by ClinVar (database versions not stated): 1000 Genomes Project 30x 0.00078; TOPMed 0.00099; gnomAD 0.00130 and 0.00134; gnomAD exomes 0.00167; ExAC 0.02000.
gnomAD v4.1: 1,636 of 1,232,072 alleles (0.13%); highest among the groups gnomAD compares: Non-Finnish European, 0.15%; 5 homozygotes.

Submissions (4):

Blueprint Genetics
Classification: Uncertain significance. Last evaluated: 2024-11-23. Review status: criteria provided, single submitter. Criteria: ACMG Guidelines, 2015. Collection method: clinical testing. Allele origin: germline.

Labcorp Genetics (formerly Invitae), Labcorp
Classification: Uncertain significance for Primary ciliary dyskinesia 28. Last evaluated: 2022-10-31. Review status: criteria provided, single submitter. Criteria: Invitae Variant Classification Sherloc (09022015). Collection method: clinical testing. Allele origin: germline.
Comment: This sequence change replaces proline, which is neutral and non-polar, with leucine, which is neutral and non-polar, at codon 436 of the SPAG1 protein (p.Pro436Leu). The frequency data for this variant in the population databases is considered unreliable, as metrics indicate poor data quality at this position in the gnomAD database. This variant has not been reported in the literature in individuals affected with SPAG1-related conditions. ClinVar contains an entry for this variant (Variation ID: 474651). Advanced modeling of protein sequence and biophysical properties (such as structural, functional, and spatial information, amino acid conservation, physicochemical variation, residue mobility, and thermodynamic stability) performed at Invitae indicates that this missense variant is not expected to disrupt SPAG1 protein function. In summary, the available evidence is currently insufficient to determine the role of this variant in disease. Therefore, it has been classified as a Variant of Uncertain Significance.

Ambry Genetics
Classification: Likely benign for Primary ciliary dyskinesia. Last evaluated: 2022-05-04. Review status: criteria provided, single submitter. Criteria: Ambry Variant Classification Scheme 2023. Collection method: clinical testing. Allele origin: germline.

PreventionGenetics, part of Exact Sciences
Classification: Likely benign for SPAG1-related condition. Last evaluated: 2023-06-08. Review status: no assertion criteria provided. Collection method: clinical testing. Allele origin: germline. Not counted in ClinVar's aggregate classification.
Comment: This variant is classified as likely benign based on ACMG/AMP sequence variant interpretation guidelines (Richards et al. 2015 PMID: 25741868, with internal and published modifications).

NM_003114.5(SPAG1):c.1307C>T (p.Pro436Leu)

Genes: SPAG1 (sperm associated antigen 1; plus strand), LOC130000832 (ATAC-STARR-seq lymphoblastoid silent region 19412; plus strand). Cytogenetic location: 8q22.2.
Variant type: single nucleotide variant.
Coding change: c.1307C>T on transcript NM_003114.5 (MANE Select); coding-DNA position 1307, C replaced by T.
Protein change: p.Pro436Leu; replaces proline 436 with leucine.
Molecular consequence: missense variant.
Genome position (GRCh38, 1-based): chr8:100,213,300, C>T. VCF-style: chr8-100213300-C-T. GRCh37 (hg19) VCF-style: chr8-101225528-C-T.
Other names: c.1307C>T, p.Pro436Leu (NM_001374321.1, NM_172218.3); short protein forms P436L.
Identifiers: ClinVar variation 474651 (VCV000474651.12), dbSNP rs761617724, ClinGen allele CA4827474.